The following is an entry in ClinVar:

NM_002476.2(MYL4):c.553_565+12del

Gene: MYL4 (myosin light chain 4; plus strand). Cytogenetic location: 17q21.32.
Variant type: Deletion.
Coding change: c.553_565+12del on transcript NM_002476.2 (MANE Select); coding-DNA position 553 through 12 bases into the intron after coding-DNA position 565, 25 bases deleted (ATCAATTATGAAGGTATTAAGCCGC).
Molecular consequence: splice donor variant.
Genome position (GRCh38, 1-based): chr17:47,222,445-47,222,469, ATCAATTATGAAGGTATTAAGCCGC deleted; deleting any 25 consecutive bases within chr17:47,222,443-47,222,469 gives the same sequence; the c. name uses the placement nearest the transcript's 3' end. VCF-style (leftmost placement, unchanged base first): chr17-47222442-TGCATCAATTATGAAGGTATTAAGCC-T. GRCh37 (hg19) VCF-style: chr17-45299808-TGCATCAATTATGAAGGTATTAAGCC-T.
Other names: c.553_565+12del (NM_001002841.2).
Identifiers: ClinVar variation 3718671 (VCV003718671.2).
Genomic context (GRCh38, chr17:47,222,442, plus strand): 5'-GAGAAGATGACTGAGGCTGAAGTGGAGCAGCTGTTAGCTGGGCAAGAGGATGCCAATGGC[TGCATCAATTATGAAGGTATTAAGCC>T]GCGCCTTGCATCCCAGGGCAGCCAGGGATGGTAGGATGGGAACAGCTTGGGTGGGGTGGG-3'

ClinVar aggregate classification (germline): Uncertain significance (1 of 4 stars; one submission).

Conditions:
Atrial fibrillation, familial, 18 (ATFB18). Identifiers: MedGen C4310636, MONDO:0015001, OMIM 617280.

Submission:

Labcorp Genetics (formerly Invitae), Labcorp
Classification: Uncertain significance for Atrial fibrillation, familial, 18. Last evaluated: 2025-07-13. Review status: criteria provided, single submitter. Criteria: Invitae Variant Classification Sherloc (09022015). Collection method: clinical testing. Allele origin: germline.
Comment: This variant results in the deletion of part of exon 6 (c.553_565+12del) of the MYL4 gene. While this variant is not anticipated to result in nonsense mediated decay, it likely alters RNA splicing and results in a disrupted protein product. This variant is present in population databases (rs759826968, gnomAD 0.0009%). This variant has not been reported in the literature in individuals affected with MYL4-related conditions. ClinVar contains an entry for this variant (Variation ID: 3718671). Variants that disrupt the consensus splice site are a relatively common cause of aberrant splicing (PMID: 17576681, 9536098). Experimental studies and prediction algorithms are not available or were not evaluated, and the effect of this variant on mRNA splicing is currently unknown. In summary, the available evidence is currently insufficient to determine the role of this variant in disease. Therefore, it has been classified as a Variant of Uncertain Significance.

Literature cited by the submitters: PubMed 17576681; PubMed 9536098.